The following is an entry in ClinVar:

NC_000005.10:g.(?_112818966)_(112821991_?)del

Gene: APC (APC regulator of Wnt signaling pathway; plus strand). Cytogenetic location: 5q22.2.
Variant type: Deletion.
Identifiers: ClinVar variation 417550 (VCV000417550.1).

ClinVar aggregate classification (germline): Pathogenic (1 of 4 stars; one submission).

Conditions:
Familial adenomatous polyposis 1 (FAP1). Also called: FAMILIAL ADENOMATOUS POLYPOSIS 1, ATTENUATED; POLYPOSIS, ADENOMATOUS INTESTINAL. Identifiers: MedGen C2713442, MONDO:0021056, OMIM 175100. Disease mechanism: loss of function.

Submission:

Labcorp Genetics (formerly Invitae), Labcorp
Classification: Pathogenic for Familial adenomatous polyposis 1. Last evaluated: 2016-11-21. Review status: criteria provided, single submitter. Criteria: Invitae Variant Classification Sherloc (09022015). Collection method: clinical testing. Allele origin: germline.
Comment: This variant is a gross deletion of the genomic region encompassing exons 10-11 of the APC gene. This creates a premature translational stop signal and is expected to result in an absent or disrupted protein product. This variant has been reported in the literature in individuals affected with adenomatous polyposis (PMID: 18487285). This variant is also known in the literature as deletion of exons 9-10 by alternate exon numbering. For these reasons, this variant has been classified as Pathogenic.